The following is an entry in ClinVar:

NM_001613.4(ACTA2):c.758G>T (p.Gly253Val)

Genes: ACTA2-AS1 (ACTA2 antisense RNA 1; plus strand), ACTA2 (actin alpha 2, smooth muscle; minus strand). Cytogenetic location: 10q23.31.
Variant type: single nucleotide variant.
Coding change: c.758G>T on transcript NM_001613.4 (MANE Select); coding-DNA position 758, G replaced by T.
Protein change: p.Gly253Val; replaces glycine 253 with valine.
Molecular consequence: missense variant. On other transcripts: non-coding transcript variant (1).
Genome position (GRCh38, 1-based): chr10:88,939,557, C>A on the plus strand (G>T on the coding strand, the complement: ACTA2 is on the minus strand). VCF-style: chr10-88939557-C-A. GRCh37 (hg19) VCF-style: chr10-90699314-C-A.
Other names: c.758G>T, p.Gly253Val (NM_001141945.3, NM_001320855.2, NM_001406462.1 and 2 more transcripts); c.647G>T, p.Gly216Val (NM_001406466.1); c.629G>T, p.Gly210Val (NM_001406467.1, NM_001406468.1, NM_001406469.1); short protein forms G253V, G216V, G210V.
Identifiers: ClinVar variation 1052986 (VCV001052986.10), dbSNP rs1845810106, ClinGen allele CA377511239.

ClinVar aggregate classification (germline): Uncertain significance (1 of 4 stars; one submission).

Conditions:
Aortic aneurysm, familial thoracic 6 (AAT6). Also called: FAMILIAL THORACIC AORTIC ANEURYSM WITH LIVEDO RETICULARIS AND IRIS FLOCCULI. Identifiers: MedGen C2673186, MONDO:0012730, OMIM 611788.

Submission:

Labcorp Genetics (formerly Invitae), Labcorp
Classification: Uncertain significance for Aortic aneurysm, familial thoracic 6. Last evaluated: 2020-04-23. Review status: criteria provided, single submitter. Criteria: Invitae Variant Classification Sherloc (09022015). Collection method: clinical testing. Allele origin: germline.
Comment: This variant has not been reported in the literature in individuals with ACTA2-related conditions. In summary, the available evidence is currently insufficient to determine the role of this variant in disease. Therefore, it has been classified as a Variant of Uncertain Significance. Algorithms developed to predict the effect of missense changes on protein structure and function (SIFT, PolyPhen-2, Align-GVGD) all suggest that this variant is likely to be disruptive, but these predictions have not been confirmed by published functional studies and their clinical significance is uncertain. This variant is not present in population databases (ExAC no frequency). This sequence change replaces glycine with valine at codon 253 of the ACTA2 protein (p.Gly253Val). The glycine residue is highly conserved and there is a moderate physicochemical difference between glycine and valine.